The following is an entry in ClinVar:

ClinVar aggregate classification (germline): Conflicting classifications of pathogenicity. Review status: criteria provided, conflicting classifications (1 of 4 stars). 3 submissions from 3 submitters: Uncertain significance (2); Likely benign (1). Last evaluated 2023-03-23.

Conditions:
Hereditary breast ovarian cancer syndrome. Also called: Breast and ovarian cancer; Hereditary breast and ovarian cancer syndrome (HBOC); Hereditary breast and ovarian cancer; Hereditary breast and/or ovarian cancer syndrome; BRCA1- and BRCA2-Associated Hereditary Breast and Ovarian Cancer; Hereditary breast and ovarian cancer syndrome. Identifiers: Orphanet 145, MedGen C0677776, MeSH D061325, MONDO:0003582. Disease mechanism: loss of function.
Hereditary cancer-predisposing syndrome. Also called: Hereditary Cancer Syndrome; Neoplastic Syndromes, Hereditary; Tumor predisposition; Hereditary neoplastic syndrome. Identifiers: Orphanet 140162, MedGen C0027672, MeSH D009386, MONDO:0015356.

Submissions (3):

University of Washington Department of Laboratory Medicine, University of Washington
Classification: Likely benign for Hereditary cancer-predisposing syndrome. Last evaluated: 2023-03-23. Review status: criteria provided, single submitter. Criteria: Dines et al. (Genet Med. 2020). Collection method: curation. Allele origin: germline.
Comment: Missense variant in a coldspot region where missense variants are very unlikely to be pathogenic (PMID:31911673).

BRCA2 exon 11 coldspot. Reclassification based on statistical prior probability.

Labcorp Genetics (formerly Invitae), Labcorp
Classification: Uncertain significance for Hereditary breast ovarian cancer syndrome. Last evaluated: 2021-08-31. Review status: criteria provided, single submitter. Criteria: Invitae Variant Classification Sherloc (09022015). Collection method: clinical testing. Allele origin: germline.
Comment: This sequence change replaces glutamine with histidine at codon 1987 of the BRCA2 protein (p.Gln1987His). The glutamine residue is moderately conserved and there is a small physicochemical difference between glutamine and histidine. This variant is not present in population databases (ExAC no frequency). This variant has not been reported in the literature in individuals affected with BRCA2-related conditions. Algorithms developed to predict the effect of missense changes on protein structure and function output the following: SIFT: "Deleterious"; PolyPhen-2: "Benign"; Align-GVGD: "Class C0". The histidine amino acid residue is found in multiple mammalian species, which suggests that this missense change does not adversely affect protein function. In summary, the available evidence is currently insufficient to determine the role of this variant in disease. Therefore, it has been classified as a Variant of Uncertain Significance.

GeneDx
Classification: Uncertain significance. Last evaluated: 2019-12-04. Review status: criteria provided, single submitter. Criteria: GeneDx Variant Classification Process June 2021. Collection method: clinical testing. Allele origin: germline. Affected: yes.
Comment: Has not been previously published as pathogenic or benign to our knowledge; Not observed in large population cohorts (Lek 2016); In silico analysis, which includes protein predictors and evolutionary conservation, supports a deleterious effect; Also known as 6189G>C

NM_000059.4(BRCA2):c.5961G>C (p.Gln1987His)

Gene: BRCA2 (BRCA2 DNA repair associated; plus strand). Cytogenetic location: 13q13.1.
Variant type: single nucleotide variant.
Coding change: c.5961G>C on transcript NM_000059.4 (MANE Select); coding-DNA position 5961, G replaced by C.
Protein change: p.Gln1987His; replaces glutamine 1987 with histidine.
Molecular consequence: missense variant.
Genome position (GRCh38, 1-based): chr13:32,340,316, G>C. VCF-style: chr13-32340316-G-C. GRCh37 (hg19) VCF-style: chr13-32914453-G-C.
Other names: short protein forms Q1987H.
Identifiers: ClinVar variation 1021271 (VCV001021271.9), dbSNP rs387907575, ClinGen allele CA387787610.